The following is an entry in ClinVar:

NM_001843.4(CNTN1):c.61+5G>A

Gene: CNTN1 (contactin 1; plus strand). Cytogenetic location: 12q12.
Variant type: single nucleotide variant.
Coding change: c.61+5G>A on transcript NM_001843.4 (MANE Select); 5 bases into the intron after coding-DNA position 61, G replaced by A.
Molecular consequence: intron variant.
Genome position (GRCh38, 1-based): chr12:40,908,498, G>A. VCF-style: chr12-40908498-G-A. GRCh37 (hg19) VCF-style: chr12-41302300-G-A.
Other names: c.61+5G>A (NM_001256063.2, NM_001256064.2, NM_175038.2).
Identifiers: ClinVar variation 1036267 (VCV001036267.7), dbSNP rs1944916936, ClinGen allele CA946869794.

ClinVar aggregate classification (germline): Uncertain significance (1 of 4 stars; one submission).

Conditions:
Compton-North congenital myopathy (CMYO12). Identifiers: Orphanet 210163, MedGen C2675527, MONDO:0012929, OMIM 612540.

Allele frequency attached by ClinVar (database versions not stated): TOPMed below 0.00001; gnomAD 0.00001.
gnomAD v4.1: 1 of 1,575,656 alleles (0.000063%); highest among the groups gnomAD compares: African/African-American, 0.0013%; no homozygotes.

Submission:

Labcorp Genetics (formerly Invitae), Labcorp
Classification: Uncertain significance for Compton-North congenital myopathy. Last evaluated: 2018-04-04. Review status: criteria provided, single submitter. Criteria: Invitae Variant Classification Sherloc (09022015). Collection method: clinical testing. Allele origin: germline.
Comment: Nucleotide substitutions within the consensus splice site are a relatively common cause of aberrant splicing (PMID: 17576681, 9536098). Algorithms developed to predict the effect of sequence changes on RNA splicing suggest that this variant may disrupt the consensus splice site, but this prediction has not been confirmed by published transcriptional studies. This variant has not been reported in the literature in individuals with CNTN1-related disease. This variant is not present in population databases (ExAC no frequency). This sequence change falls in intron 2 of the CNTN1 gene. It does not directly change the encoded amino acid sequence of the CNTN1 protein, but it affects a nucleotide within the consensus splice site of the intron. In summary, the available evidence is currently insufficient to determine the role of this variant in disease. Therefore, it has been classified as a Variant of Uncertain Significance.

Literature cited by the submitters: PubMed 17576681; PubMed 9536098.